The following is an entry in ClinVar:

NM_014271.4(IL1RAPL1):c.1235C>G (p.Thr412Ser)

Gene: IL1RAPL1 (interleukin 1 receptor accessory protein like 1; plus strand). Cytogenetic location: Xp21.2.
Variant type: single nucleotide variant.
Coding change: c.1235C>G on transcript NM_014271.4 (MANE Select); coding-DNA position 1235, C replaced by G.
Protein change: p.Thr412Ser; replaces threonine 412 with serine.
Molecular consequence: missense variant.
Genome position (GRCh38, 1-based): chrX:29,954,555, C>G. VCF-style: chrX-29954555-C-G. GRCh37 (hg19) VCF-style: chrX-29972672-C-G.
Other names: short protein forms T412S.
Identifiers: ClinVar variation 3776367 (VCV003776367.1).
Genomic context (GRCh38, chrX:29,954,555, plus strand): 5'-CGACTTTTCTTTGGAATTTTTTGACAGACAATAAAGATTATGATGCATACTTATCATACA[C>G]CAAAGTGGATCCTGACCAGTGGAATCAAGAGACTGGGGAAGAAGAACGTTTTGCCCTTGA-3'
Protein context (NP_055086.1, residues 402-422): NKDYDAYLSY[Thr412Ser]KVDPDQWNQE

ClinVar aggregate classification (germline): Uncertain significance (1 of 4 stars; one submission).

Submission:

GeneDx
Classification: Uncertain significance. Last evaluated: 2024-10-07. Review status: criteria provided, single submitter. Criteria: GeneDx Variant Classification Process June 2021. Collection method: clinical testing. Allele origin: germline. Affected: yes.
Comment: Not observed at significant frequency in large population cohorts (gnomAD); In silico analysis suggests this variant may impact gene splicing. In the absence of RNA/functional studies, the actual effect of this sequence change is unknown.; In silico analysis indicates that this missense variant does not alter protein structure/function; Has not been previously published as pathogenic or benign to our knowledge